The following is an entry in ClinVar:

NM_001042492.3(NF1):c.810A>G (p.Gln270=)

Gene: NF1 (neurofibromin 1; plus strand). Cytogenetic location: 17q11.2.
Variant type: single nucleotide variant.
Coding change: c.810A>G on transcript NM_001042492.3 (MANE Select); coding-DNA position 810, A replaced by G.
Protein change: p.Gln270=; no amino-acid change (glutamine 270 retained).
Molecular consequence: synonymous variant.
Genome position (GRCh38, 1-based): chr17:31,182,587, A>G. VCF-style: chr17-31182587-A-G. GRCh37 (hg19) VCF-style: chr17-29509605-A-G.
Other names: c.810A>G, p.Gln270= (NM_000267.4, NM_001128147.3).
Identifiers: ClinVar variation 1035890 (VCV001035890.7), dbSNP rs2066157647, ClinGen allele CA499209301.

ClinVar aggregate classification (germline): Benign/Likely benign. Review status: criteria provided, multiple submitters, no conflicts (2 of 4 stars). 3 submissions from 3 submitters: Benign (1); Likely benign (2). Last evaluated 2026-05-14.

Conditions:
Neurofibromatosis, type 1 (NF1). Also called: NEUROFIBROMATOSIS, TYPE I, SOMATIC; Peripheral type neurofibromatosis; VON RECKLINGHAUSEN DISEASE; Neurofibromatosis, type I. Identifiers: Orphanet 636, MedGen C0027831, MONDO:0018975, OMIM 162200. Disease mechanism: loss of function.
Cardiovascular phenotype. Identifiers: MedGen CN230736.
Hereditary cancer-predisposing syndrome. Also called: Tumor predisposition; Hereditary Cancer Syndrome; Hereditary neoplastic syndrome; Neoplastic Syndromes, Hereditary. Identifiers: Orphanet 140162, MedGen C0027672, MeSH D009386, MONDO:0015356.

Allele frequency attached by ClinVar (database versions not stated): TOPMed below 0.00001.
gnomAD v4.1: 1 of 1,614,122 alleles (0.000062%); no homozygotes.

Submissions (3):

Myriad Genetics, Inc.
Classification: Benign for Neurofibromatosis, type 1. Last evaluated: 2026-05-14. Review status: criteria provided, single submitter. Criteria: Myriad Autosomal Dominant, Autosomal Recessive and X-Linked Classification Criteria (2023). Collection method: clinical testing. Allele origin: unknown.
Comment: This variant is considered benign. This variant is a silent/synonymous amino acid change and it is not expected to impact splicing.

Ambry Genetics
Classification: Likely benign for Cardiovascular phenotype; Hereditary cancer-predisposing syndrome. Last evaluated: 2025-09-04. Review status: criteria provided, single submitter. Criteria: Ambry Variant Classification Scheme 2023. Collection method: clinical testing. Allele origin: germline.

Labcorp Genetics (formerly Invitae), Labcorp
Classification: Likely benign for Neurofibromatosis, type 1. Last evaluated: 2024-02-26. Review status: criteria provided, single submitter. Criteria: Invitae Variant Classification Sherloc (09022015). Collection method: clinical testing. Allele origin: germline.